The following is an entry in ClinVar:

NM_015041.3(CLUAP1):c.1190A>G (p.Asn397Ser)

Gene: CLUAP1 (clusterin associated protein 1; plus strand). Cytogenetic location: 16p13.3.
Variant type: single nucleotide variant.
Coding change: c.1190A>G on transcript NM_015041.3 (MANE Select); coding-DNA position 1190, A replaced by G.
Protein change: p.Asn397Ser; replaces asparagine 397 with serine.
Molecular consequence: missense variant.
Genome position (GRCh38, 1-based): chr16:3,536,219, A>G. VCF-style: chr16-3536219-A-G. GRCh37 (hg19) VCF-style: chr16-3586219-A-G.
Other names: c.1247A>G, p.Asn416Ser (NM_001330454.2); c.692A>G, p.Asn231Ser (NM_024793.3); c.1190A>G (NM_015041.1); short protein forms N231S, N397S, N416S.
Identifiers: ClinVar variation 938276 (VCV000938276.7), dbSNP rs375848544, ClinGen allele CA7864067.
Genomic context (GRCh38, chr16:3,536,219, plus strand): 5'-ATGATGACGAGGATGACGATTTGGAAGACGAGAGCATTTCTCTCTCACCAACCAAGCCCA[A>G]TCGAAGGGTCCGGAAATCTGAACCCCTGGATGAGAGTGACAATGACTTCTGACCCTTTTG-3'
Protein context (NP_055856.1, residues 387-407): ESISLSPTKP[Asn397Ser]RRVRKSEPLD

ClinVar aggregate classification (germline): Conflicting classifications of pathogenicity. Review status: criteria provided, conflicting classifications (1 of 4 stars). 2 submissions from 2 submitters: Uncertain significance (1); Likely benign (1). Last evaluated 2024-10-29.

Allele frequency attached by ClinVar (database versions not stated): ExAC 0.00002; gnomAD exomes 0.00002; gnomAD 0.00003 and 0.00004; TOPMed 0.00006; ESP Exome Variant Server 0.00008.
gnomAD v4.1: 41 of 1,614,036 alleles (0.0025%); highest among the groups gnomAD compares: Non-Finnish European, 0.003%; no homozygotes.

Submissions (2):

Labcorp Genetics (formerly Invitae), Labcorp
Classification: Uncertain significance. Last evaluated: 2024-10-29. Review status: criteria provided, single submitter. Criteria: Invitae Variant Classification Sherloc (09022015). Collection method: clinical testing. Allele origin: germline.
Comment: This sequence change replaces asparagine, which is neutral and polar, with serine, which is neutral and polar, at codon 397 of the CLUAP1 protein (p.Asn397Ser). This variant is present in population databases (rs375848544, gnomAD 0.006%). This variant has not been reported in the literature in individuals affected with CLUAP1-related conditions. ClinVar contains an entry for this variant (Variation ID: 938276). Invitae Evidence Modeling of protein sequence and biophysical properties (such as structural, functional, and spatial information, amino acid conservation, physicochemical variation, residue mobility, and thermodynamic stability) indicates that this missense variant is not expected to disrupt CLUAP1 protein function with a negative predictive value of 80%. In summary, the available evidence is currently insufficient to determine the role of this variant in disease. Therefore, it has been classified as a Variant of Uncertain Significance.

Ambry Genetics
Classification: Likely benign. Last evaluated: 2022-12-14. Review status: criteria provided, single submitter. Criteria: Ambry Variant Classification Scheme 2023. Collection method: clinical testing. Allele origin: germline.